The following is an entry in ClinVar:

ClinVar aggregate classification (germline): Uncertain significance (1 of 4 stars; one submission).

Conditions:
Inborn genetic diseases. Identifiers: MedGen C0950123, MeSH D030342.

Submission:

Ambry Genetics
Classification: Uncertain significance for Inborn genetic diseases. Last evaluated: 2023-12-18. Review status: criteria provided, single submitter. Criteria: Ambry Variant Classification Scheme 2023. Collection method: clinical testing. Allele origin: germline.
Comment: The p.D672E variant (also known as c.2016C>G), located in coding exon 17 of the LRRK2 gene, results from a C to G substitution at nucleotide position 2016. The aspartic acid at codon 672 is replaced by glutamic acid, an amino acid with highly similar properties. This amino acid position is conserved. In addition, this alteration is predicted to be tolerated by in silico analysis. Since supporting evidence is limited at this time, the clinical significance of this alteration remains unclear.

NM_198578.4(LRRK2):c.2016C>G (p.Asp672Glu)

Gene: LRRK2 (leucine rich repeat kinase 2; plus strand). Cytogenetic location: 12q12.
Variant type: single nucleotide variant.
Coding change: c.2016C>G on transcript NM_198578.4 (MANE Select); coding-DNA position 2016, C replaced by G.
Protein change: p.Asp672Glu; replaces aspartic acid 672 with glutamic acid.
Molecular consequence: missense variant.
Genome position (GRCh38, 1-based): chr12:40,277,962, C>G. VCF-style: chr12-40277962-C-G. GRCh37 (hg19) VCF-style: chr12-40671764-C-G.
Other names: short protein forms D672E.
Identifiers: ClinVar variation 3229538 (VCV003229538.1), dbSNP rs777586007, ClinGen allele CA384404564.